The following is an entry in ClinVar:

ClinVar aggregate classification (germline): Uncertain significance. Review status: criteria provided, multiple submitters, no conflicts (2 of 4 stars). 2 submissions from 2 submitters: Uncertain significance (2). Last evaluated 2024-06-25.

Conditions:
RYR1-related disorder. Also called: RYR1-related condition; RYR1-related disorders. Identifiers: MedGen CN239331.
Malignant hyperthermia, susceptibility to, 1 (MHS1). Also called: RYR1-Related Malignant Hyperthermia Susceptibility; Anesthesia related hyperthermia; Malignant hyperpyrexia; Fulminating hyperpyrexia; Pharmacogenic myopathy; Malignant hyperthermia suceptibility 1. Identifiers: Orphanet 423, MedGen C2930980, MONDO:0007783, OMIM 145600.

Allele frequency attached by ClinVar (database versions not stated): gnomAD exomes below 0.00001.
gnomAD v4.1: 4 of 1,586,344 alleles (0.00025%); highest among the groups gnomAD compares: South Asian, 0.0035%; no homozygotes.

Submissions (2):

Labcorp Genetics (formerly Invitae), Labcorp
Classification: Uncertain significance for RYR1-related disorder. Last evaluated: 2024-06-25. Review status: criteria provided, single submitter. Criteria: Invitae Variant Classification Sherloc (09022015). Collection method: clinical testing. Allele origin: germline.
Comment: This sequence change replaces lysine, which is basic and polar, with glutamic acid, which is acidic and polar, at codon 953 of the RYR1 protein (p.Lys953Glu). This variant is not present in population databases (gnomAD no frequency). This variant has not been reported in the literature in individuals affected with RYR1-related conditions. Advanced modeling of protein sequence and biophysical properties (such as structural, functional, and spatial information, amino acid conservation, physicochemical variation, residue mobility, and thermodynamic stability) has been performed at Invitae for this missense variant, however the output from this modeling did not meet the statistical confidence thresholds required to predict the impact of this variant on RYR1 protein function. In summary, the available evidence is currently insufficient to determine the role of this variant in disease. Therefore, it has been classified as a Variant of Uncertain Significance.

All of Us Research Program, National Institutes of Health
Classification: Uncertain significance for Malignant hyperthermia, susceptibility to, 1. Last evaluated: 2023-03-23. Review status: criteria provided, single submitter. Criteria: ACMG Guidelines, 2015. Collection method: clinical testing. Allele origin: germline. Inheritance: Autosomal dominant inheritance. Observed: 1 variant allele, 1 heterozygote.
Comment: This missense variant replaces lysine with glutamic acid at codon 953 of the RYR1 protein. Computational prediction suggests that this variant may have deleterious impact on protein structure and function (internally defined REVEL score threshold >= 0.7, PMID: 27666373). To our knowledge, functional studies have not been reported for this variant. This variant has not been reported in individuals affected with RYR1-related disorders in the literature. This variant has not been identified in the general population by the Genome Aggregation Database (gnomAD). The available evidence is insufficient to determine the role of this variant in disease conclusively. Therefore, this variant is classified as a Variant of Uncertain Significance.

This study involves interpretation of variants in research participants for the purpose of population health screening. Participant phenotype was not available at the time of variant classification. Additional details can be found in publication PMID: 35346344, PMCID: PMC8962531

NM_000540.3(RYR1):c.2857A>G (p.Lys953Glu)

Gene: RYR1 (ryanodine receptor 1; plus strand). Cytogenetic location: 19q13.2.
Variant type: single nucleotide variant.
Coding change: c.2857A>G on transcript NM_000540.3 (MANE Select); coding-DNA position 2857, A replaced by G.
Protein change: p.Lys953Glu; replaces lysine 953 with glutamic acid.
Molecular consequence: missense variant.
Genome position (GRCh38, 1-based): chr19:38,464,709, A>G. VCF-style: chr19-38464709-A-G. GRCh37 (hg19) VCF-style: chr19-38955349-A-G.
Other names: c.2857A>G, p.Lys953Glu (NM_001042723.2); short protein forms K953E.
Identifiers: ClinVar variation 3069932 (VCV003069932.3), dbSNP rs2514084484, ClinGen allele CA405633778.
Genomic context (GRCh38, chr19:38,464,709, plus strand): 5'-GCTCTGGGCTGCCACGTGGGCATGGCGGATGAGAAGGCGGAGGACAACCTGAAGAAGACA[A>G]AACTCCCCAAGACGTGAGTGTGGGCAGCCAGGTCCCGTCTGGGGATGGACTGGGGGCTGG-3'
Protein context (NP_000531.2, residues 943-963): EKAEDNLKKT[Lys953Glu]LPKTYMMSNG